The following is an entry in ClinVar:

ClinVar aggregate classification (germline): Pathogenic. Review status: criteria provided, multiple submitters, no conflicts (2 of 4 stars). 2 submissions from 2 submitters: Pathogenic (2). Last evaluated 2022-08-12.

Conditions:
Spastic paraplegia. Identifiers: MedGen C0037772, HP:0001258.
Hereditary spastic paraplegia 15 (SPG15). Also called: SPASTIC PARAPLEGIA 15, AUTOSOMAL RECESSIVE; SPASTIC PARAPLEGIA AND RETINAL DEGENERATION; KJELLIN SYNDROME. Identifiers: Orphanet 100996, MedGen C1849128, MONDO:0010044, OMIM 270700.

Submissions (2):

Labcorp Genetics (formerly Invitae), Labcorp
Classification: Pathogenic for Spastic paraplegia. Last evaluated: 2022-08-12. Review status: criteria provided, single submitter. Criteria: Invitae Variant Classification Sherloc (09022015). Collection method: clinical testing. Allele origin: germline.
Comment: For these reasons, this variant has been classified as Pathogenic. ClinVar contains an entry for this variant (Variation ID: 989054). This variant has not been reported in the literature in individuals affected with ZFYVE26-related conditions. This variant is not present in population databases (gnomAD no frequency). This sequence change creates a premature translational stop signal (p.Ile2204*) in the ZFYVE26 gene. It is expected to result in an absent or disrupted protein product. Loss-of-function variants in ZFYVE26 are known to be pathogenic (PMID: 18394578, 19805727).

Paris Brain Institute, Inserm - ICM
Classification: Pathogenic for Hereditary spastic paraplegia 15. Review status: criteria provided, single submitter. Criteria: ACMG Guidelines, 2015. Collection method: clinical testing. Allele origin: unknown. Affected: yes. Observed: 2 variant alleles.

Literature cited by the submitters: PubMed 18394578 (cited by Labcorp Genetics (formerly Invitae), Labcorp); PubMed 19805727 (cited by Labcorp Genetics (formerly Invitae), Labcorp).

NM_015346.4(ZFYVE26):c.6610del (p.Phe2203_Ile2204insTer)

Gene: ZFYVE26 (zinc finger FYVE-type containing 26; minus strand). Cytogenetic location: 14q24.1.
Variant type: Deletion.
Coding change: c.6610del on transcript NM_015346.4 (MANE Select); coding-DNA position 6610, one base deleted (A; older notation c.6610delA).
Protein change: p.Phe2203_Ile2204insTer.
Molecular consequence: nonsense.
Genome position (GRCh38, 1-based): chr14:67,756,124, T deleted on the plus strand (A on the coding strand, the reverse complement: ZFYVE26 is on the minus strand). VCF-style (leftmost placement, unchanged base first): chr14-67756123-AT-A. GRCh37 (hg19) VCF-style: chr14-68222840-AT-A.
Other names: c.6610delA (NM_015346.4).
Identifiers: ClinVar variation 989054 (VCV000989054.8), dbSNP rs2140185555, ClinGen allele CA2499222691.